The following is an entry in ClinVar:

ClinVar aggregate classification (germline): Uncertain significance (1 of 4 stars; one submission).

Allele frequency attached by ClinVar (database versions not stated): ExAC 0.00001.
gnomAD v4.1: 6 of 1,613,846 alleles (0.00037%); highest among the groups gnomAD compares: East Asian, 0.0045%; no homozygotes.

Submission:

Labcorp Genetics (formerly Invitae), Labcorp
Classification: Uncertain significance. Last evaluated: 2022-04-06. Review status: criteria provided, single submitter. Criteria: Invitae Variant Classification Sherloc (09022015). Collection method: clinical testing. Allele origin: germline.
Comment: This sequence change replaces arginine, which is basic and polar, with glutamine, which is neutral and polar, at codon 786 of the TUBGCP6 protein (p.Arg786Gln). This variant is present in population databases (rs745767775, gnomAD 0.01%). This variant has not been reported in the literature in individuals affected with TUBGCP6-related conditions. Algorithms developed to predict the effect of missense changes on protein structure and function are either unavailable or do not agree on the potential impact of this missense change (SIFT: "Tolerated"; PolyPhen-2: "Possibly Damaging"; Align-GVGD: "Class C0"). In summary, the available evidence is currently insufficient to determine the role of this variant in disease. Therefore, it has been classified as a Variant of Uncertain Significance.

NM_020461.4(TUBGCP6):c.2357G>A (p.Arg786Gln)

Gene: TUBGCP6 (tubulin gamma complex component 6; minus strand). Cytogenetic location: 22q13.33.
Variant type: single nucleotide variant.
Coding change: c.2357G>A on transcript NM_020461.4 (MANE Select); coding-DNA position 2357, G replaced by A.
Protein change: p.Arg786Gln; replaces arginine 786 with glutamine.
Molecular consequence: missense variant.
Genome position (GRCh38, 1-based): chr22:50,222,506, C>T on the plus strand (G>A on the coding strand, the complement: TUBGCP6 is on the minus strand). VCF-style: chr22-50222506-C-T. GRCh37 (hg19) VCF-style: chr22-50660935-C-T.
Other names: short protein forms R786Q.
Identifiers: ClinVar variation 1915077 (VCV001915077.2), dbSNP rs745767775, ClinGen allele CA10308260.
Genomic context (GRCh38, chr22:50,222,506, plus strand): 5'-AGACATACCTGAATGTGTTTCTCATCTTCTAAGAGAAAACGAAGCCGTGCACTCTCCAGT[C>T]GGTGCCTCTGGATTCTCCACAGTGCCTTCTGCTCCCGACGAGCTGCCTCTGCAGAGAGCT-3'
Protein context (NP_065194.3, residues 776-796): QKALWRIQRH[Arg786Gln]LESARLRFLL